The following is an entry in ClinVar:

ClinVar aggregate classification (germline): Uncertain significance (1 of 4 stars; one submission).

Conditions:
Familial adenomatous polyposis 2. Also called: Adenomas, multiple colorectal; MYH-associated polyposis; COLORECTAL ADENOMATOUS POLYPOSIS, AUTOSOMAL RECESSIVE; ADENOMAS, MULTIPLE COLORECTAL, AUTOSOMAL RECESSIVE; FAP type 2; MUTYH Polyposis. Identifiers: Orphanet 220460, Orphanet 247798, MedGen C3272841, MONDO:0012041, OMIM 608456.

Submission:

Labcorp Genetics (formerly Invitae), Labcorp
Classification: Uncertain significance for Familial adenomatous polyposis 2. Last evaluated: 2022-02-24. Review status: criteria provided, single submitter. Criteria: Invitae Variant Classification Sherloc (09022015). Collection method: clinical testing. Allele origin: germline.
Comment: In summary, the available evidence is currently insufficient to determine the role of this variant in disease. Therefore, it has been classified as a Variant of Uncertain Significance. Variants that disrupt the consensus splice site are a relatively common cause of aberrant splicing (PMID: 17576681, 9536098). Algorithms developed to predict the effect of sequence changes on RNA splicing suggest that this variant may disrupt the consensus splice site. This variant has not been reported in the literature in individuals affected with MUTYH-related conditions. This variant is not present in population databases (gnomAD no frequency). This sequence change falls in intron 15 of the MUTYH gene. It does not directly change the encoded amino acid sequence of the MUTYH protein. It affects a nucleotide within the consensus splice site.

Literature cited by the submitters: PubMed 17576681; PubMed 9536098.

NM_001048174.2(MUTYH):c.1434+2dup

Gene: MUTYH (mutY DNA glycosylase; minus strand). Cytogenetic location: 1p34.1.
Variant type: Duplication.
Coding change: c.1434+2dup on transcript NM_001048174.2 (MANE Select); the canonical splice donor site of the intron after coding-DNA position 1434, one base duplicated (T; older notation c.1434+2dupT).
Molecular consequence: splice donor variant.
Genome position (GRCh38, 1-based): chr1:45,330,514, A duplicated on the plus strand (T on the coding strand, the reverse complement: MUTYH is on the minus strand). VCF-style (leftmost placement, unchanged base first): chr1-45330513-T-TA. GRCh37 (hg19) VCF-style: chr1-45796185-T-TA.
Other names: c.1089+2dup (NM_001350651.2, NM_001350650.2); c.1158+2dup (NM_001293192.2, NM_001293196.2); c.1434+2dup (NM_001048171.2, NM_001048173.2, NM_001293195.2); c.1479+2dup (NM_001293190.2); c.1509+2dup (NM_012222.3); c.1518+2dup (NM_001128425.2); c.1437+2dup (NM_001048172.2); c.1467+2dup (NM_001293191.2).
Identifiers: ClinVar variation 1367706 (VCV001367706.6), dbSNP rs2149102694, ClinGen allele CA2573131990.